The following is an entry in ClinVar:

NM_006852.6(TLK2):c.989C>A (p.Ser330Ter)

Gene: TLK2 (tousled like kinase 2; plus strand). Cytogenetic location: 17q23.2.
Variant type: single nucleotide variant.
Coding change: c.989C>A on transcript NM_006852.6 (MANE Select); coding-DNA position 989, C replaced by A.
Protein change: p.Ser330Ter; replaces serine 330 with a stop codon.
Molecular consequence: nonsense.
Genome position (GRCh38, 1-based): chr17:62,573,235, C>A. VCF-style: chr17-62573235-C-A. GRCh37 (hg19) VCF-style: chr17-60650596-C-A.
Other names: c.989C>A, p.Ser330Ter (NM_001284333.3, NM_001375270.1, NM_001375271.1); c.893C>A, p.Ser298Ter (NM_001284363.1, NM_001375272.1); c.542C>A, p.Ser181Ter (NM_001330418.3, NM_001375273.1); c.1031C>A, p.Ser344Ter (NM_001375269.1); short protein forms S330*, S181*, S298*, S344*.
Identifiers: ClinVar variation 548935 (VCV000548935.2), dbSNP rs1555644480, ClinGen allele CA400501202.

ClinVar aggregate classification (germline): Pathogenic. Review status: criteria provided, single submitter (1 of 4 stars). 2 submissions from 2 submitters: Pathogenic (1). 1 of the submissions does not count toward it. Last evaluated 2018-10-15.

Conditions:
Intellectual developmental disorder, autosomal dominant 57. Also called: MENTAL RETARDATION, AUTOSOMAL DOMINANT 57; Intellectual disability, autosomal dominant 57. Identifiers: MedGen C4748003, MONDO:0054837, OMIM 618050.

Submissions (2):

SIB Swiss Institute of Bioinformatics
Classification: Pathogenic for Intellectual developmental disorder, autosomal dominant 57. Last evaluated: 2018-10-15. Review status: criteria provided, single submitter. Criteria: ACMG Guidelines, 2015. Collection method: curation. Allele origin: unknown.
Comment: This variant is interpreted as Pathogenic, for Mental retardation, autosomal dominant 57. The following ACMG Tag(s) were applied: PM2 => Absent from controls (or at extremely low frequency if recessive) in Exome Sequencing Project, 1000 Genomes Project, or Exome Aggregation Consortium. PVS1 => Predicted nullvariant in a gene where LOF is a known mechanism of disease (PubMed 29861108). PM6 => Assumed de novo, but without confirmation of paternity and maternity (PubMed 29861108).

OMIM
Classification: Pathogenic for INTELLECTUAL DEVELOPMENTAL DISORDER, AUTOSOMAL DOMINANT 57. Last evaluated: 2022-04-29. Review status: no assertion criteria provided. Collection method: literature only. Allele origin: germline. Not counted in ClinVar's aggregate classification.

Literature cited by the submitters: PubMed 29861108 (cited by SIB Swiss Institute of Bioinformatics and OMIM).